The following is an entry in ClinVar:

NM_198253.3(TERT):c.1672A>G (p.Arg558Gly)

Gene: TERT (telomerase reverse transcriptase; minus strand). Cytogenetic location: 5p15.33.
Variant type: single nucleotide variant.
Coding change: c.1672A>G on transcript NM_198253.3 (MANE Select); coding-DNA position 1672, A replaced by G.
Protein change: p.Arg558Gly; replaces arginine 558 with glycine.
Molecular consequence: missense variant. On other transcripts: non-coding transcript variant (2).
Genome position (GRCh38, 1-based): chr5:1,282,526, T>C on the plus strand (A>G on the coding strand, the complement: TERT is on the minus strand). VCF-style: chr5-1282526-T-C. GRCh37 (hg19) VCF-style: chr5-1282641-T-C.
Other names: c.1672A>G, p.Arg558Gly (NM_001193376.3, NM_003219.1); short protein forms R558G.
Identifiers: ClinVar variation 2948428 (VCV002948428.3), dbSNP rs2478305470, ClinGen allele CA359083128.

ClinVar aggregate classification (germline): Uncertain significance (1 of 4 stars; one submission).

Conditions:
Idiopathic Pulmonary Fibrosis. Also called: Idiopathic fibrosing alveolitis, chronic form; idiopathic fibrosing alveolitis. Identifiers: Orphanet 2032, MedGen C1800706, MeSH D054990, MONDO:0800504.
Dyskeratosis congenita, autosomal dominant 2. Identifiers: MedGen C3151443, MONDO:0013521, OMIM 613989.

Submission:

Labcorp Genetics (formerly Invitae), Labcorp
Classification: Uncertain significance for Dyskeratosis congenita, autosomal dominant 2; Idiopathic Pulmonary Fibrosis. Last evaluated: 2023-06-02. Review status: criteria provided, single submitter. Criteria: Invitae Variant Classification Sherloc (09022015). Collection method: clinical testing. Allele origin: germline.
Comment: In summary, the available evidence is currently insufficient to determine the role of this variant in disease. Therefore, it has been classified as a Variant of Uncertain Significance. Advanced modeling of protein sequence and biophysical properties (such as structural, functional, and spatial information, amino acid conservation, physicochemical variation, residue mobility, and thermodynamic stability) performed at Invitae indicates that this missense variant is expected to disrupt TERT protein function. This variant has not been reported in the literature in individuals affected with TERT-related conditions. This variant is not present in population databases (gnomAD no frequency). This sequence change replaces arginine, which is basic and polar, with glycine, which is neutral and non-polar, at codon 558 of the TERT protein (p.Arg558Gly).